The following is an entry in ClinVar:

NM_206933.4(USH2A):c.253A>T (p.Ile85Phe)

Gene: USH2A (usherin; minus strand). Cytogenetic location: 1q41.
Variant type: single nucleotide variant.
Coding change: c.253A>T on transcript NM_206933.4 (MANE Select); coding-DNA position 253, A replaced by T.
Protein change: p.Ile85Phe; replaces isoleucine 85 with phenylalanine.
Molecular consequence: missense variant.
Genome position (GRCh38, 1-based): chr1:216,422,084, T>A on the plus strand (A>T on the coding strand, the complement: USH2A is on the minus strand). VCF-style: chr1-216422084-T-A. GRCh37 (hg19) VCF-style: chr1-216595426-T-A.
Other names: c.253A>T, p.Ile85Phe (NM_007123.6); short protein forms I85F.
Identifiers: ClinVar variation 2201245 (VCV002201245.4), dbSNP rs770983063, ClinGen allele CA344904364.
Genomic context (GRCh38, chr1:216,422,084, plus strand): 5'-GGCCTGCTGAGAAAAGGGCAGTGTAGGTAGGGTGTGAAGATCTGTATGGGCAATCCTGAA[T>A]ACAAAACCGCTGGGTACAGAACTGAATACTTTCAGCAGCAGCAGAGCTGTGACAAAAAGT-3'
Protein context (NP_996816.3, residues 75-95): SIQFCTQRFC[Ile85Phe]QDCPYRSSHP

ClinVar aggregate classification (germline): Uncertain significance. Review status: criteria provided, multiple submitters, no conflicts (2 of 4 stars). 2 submissions from 2 submitters: Uncertain significance (2). Last evaluated 2024-10-22.

Allele frequency attached by ClinVar (database versions not stated): gnomAD 0.00001; TOPMed 0.00001.
gnomAD v4.1: 20 of 1,613,680 alleles (0.0012%); highest among the groups gnomAD compares: Non-Finnish European, 0.0015%; no homozygotes.

Submissions (2):

Labcorp Genetics (formerly Invitae), Labcorp
Classification: Uncertain significance. Last evaluated: 2024-10-22. Review status: criteria provided, single submitter. Criteria: Invitae Variant Classification Sherloc (09022015). Collection method: clinical testing. Allele origin: germline.
Comment: This sequence change replaces isoleucine, which is neutral and non-polar, with phenylalanine, which is neutral and non-polar, at codon 85 of the USH2A protein (p.Ile85Phe). This variant is present in population databases (no rsID available, gnomAD 0.0009%). This missense change has been observed in individual(s) with retinitis pigmentosa (PMID: 36819107). ClinVar contains an entry for this variant (Variation ID: 2201245). Invitae Evidence Modeling of protein sequence and biophysical properties (such as structural, functional, and spatial information, amino acid conservation, physicochemical variation, residue mobility, and thermodynamic stability) indicates that this missense variant is not expected to disrupt USH2A protein function with a negative predictive value of 95%. In summary, the available evidence is currently insufficient to determine the role of this variant in disease. Therefore, it has been classified as a Variant of Uncertain Significance.

Blueprint Genetics
Classification: Uncertain significance. Last evaluated: 2024-07-03. Review status: criteria provided, single submitter. Criteria: ACMG Guidelines, 2015. Collection method: clinical testing. Allele origin: germline.

Literature cited by the submitters: PubMed 36819107 (cited by Labcorp Genetics (formerly Invitae), Labcorp).